The following is an entry in ClinVar:

NM_133259.4(LRPPRC):c.3811A>G (p.Arg1271Gly)

Gene: LRPPRC (leucine rich pentatricopeptide repeat containing; minus strand). Cytogenetic location: 2p21.
Variant type: single nucleotide variant.
Coding change: c.3811A>G on transcript NM_133259.4 (MANE Select); coding-DNA position 3811, A replaced by G.
Protein change: p.Arg1271Gly; replaces arginine 1271 with glycine.
Molecular consequence: missense variant.
Genome position (GRCh38, 1-based): chr2:43,899,233, T>C on the plus strand (A>G on the coding strand, the complement: LRPPRC is on the minus strand). VCF-style: chr2-43899233-T-C. GRCh37 (hg19) VCF-style: chr2-44126372-T-C.
Other names: short protein forms R1271G.
Identifiers: ClinVar variation 4985485 (VCV004985485.1).

ClinVar aggregate classification (germline): Uncertain significance (1 of 4 stars; one submission).

Conditions:
LRPPRC-related disorder. Also called: LRPPRC-related condition.

gnomAD v4.1: 2 of 1,613,578 alleles (0.00012%); highest among the groups gnomAD compares: African/African-American, 0.0027%; no homozygotes.

Submission:

PreventionGenetics, part of Exact Sciences
Classification: Uncertain significance for LRPPRC-related condition. Last evaluated: 2025-04-14. Review status: criteria provided, single submitter. Criteria: ACMG Guidelines, 2015. Collection method: clinical testing. Allele origin: germline.
Comment: The LRPPRC c.3811A>G variant is predicted to result in the amino acid substitution p.Arg1271Gly. To our knowledge, this variant has not been reported in the literature. This variant is reported in 0.012% of alleles in individuals of African descent in gnomAD. At this time, the clinical significance of this variant is uncertain due to the absence of conclusive functional and genetic evidence.